The following is an entry in ClinVar:

ClinVar aggregate classification (germline): Likely benign. Review status: criteria provided, multiple submitters, no conflicts (2 of 4 stars). 3 submissions from 3 submitters: Likely benign (3). Last evaluated 2026-08-01.

Conditions:
Hereditary breast ovarian cancer syndrome. Also called: Hereditary breast and/or ovarian cancer syndrome; Breast and ovarian cancer; Hereditary breast and ovarian cancer syndrome; Hereditary breast and ovarian cancer syndrome (HBOC); BRCA1- and BRCA2-Associated Hereditary Breast and Ovarian Cancer; Hereditary breast and ovarian cancer. Identifiers: Orphanet 145, MedGen C0677776, MeSH D061325, MONDO:0003582. Disease mechanism: loss of function.
Hereditary cancer-predisposing syndrome. Also called: Hereditary Cancer Syndrome; Neoplastic Syndromes, Hereditary; Hereditary neoplastic syndrome; Tumor predisposition. Identifiers: Orphanet 140162, MedGen C0027672, MeSH D009386, MONDO:0015356.

Allele frequency attached by ClinVar (database versions not stated): gnomAD 0.00001; TOPMed 0.00001.
gnomAD v4.1: 1 of 1,613,036 alleles (0.000062%); highest among the groups gnomAD compares: Non-Finnish European, 0.000085%; no homozygotes.

Submissions (3):

CeGaT Center for Human Genetics Tuebingen
Classification: Likely benign. Last evaluated: 2026-08-01. Review status: criteria provided, single submitter. Criteria: CeGaT Center For Human Genetics Tuebingen Variant Classification Criteria Version 2. Collection method: clinical testing. Allele origin: germline. Affected: yes. Observed: 1 variant allele.
Comment: BRCA2: BP4, BP7

Labcorp Genetics (formerly Invitae), Labcorp
Classification: Likely benign for Hereditary breast ovarian cancer syndrome. Last evaluated: 2024-11-24. Review status: criteria provided, single submitter. Criteria: Invitae Variant Classification Sherloc (09022015). Collection method: clinical testing. Allele origin: germline.

Ambry Genetics
Classification: Likely benign for Hereditary cancer-predisposing syndrome. Last evaluated: 2021-10-25. Review status: criteria provided, single submitter. Criteria: Ambry Variant Classification Scheme 2023. Collection method: clinical testing. Allele origin: germline.

NM_000059.4(BRCA2):c.9264C>T (p.Ala3088=)

Gene: BRCA2 (BRCA2 DNA repair associated; plus strand). Cytogenetic location: 13q13.1.
Variant type: single nucleotide variant.
Coding change: c.9264C>T on transcript NM_000059.4 (MANE Select); coding-DNA position 9264, C replaced by T.
Protein change: p.Ala3088=; no amino-acid change (alanine 3088 retained).
Molecular consequence: synonymous variant.
Genome position (GRCh38, 1-based): chr13:32,394,696, C>T. VCF-style: chr13-32394696-C-T. GRCh37 (hg19) VCF-style: chr13-32968833-C-T.
Identifiers: ClinVar variation 531541 (VCV000531541.12), dbSNP rs1043050140, ClinGen allele CA247504803.